The following is an entry in ClinVar:

NM_000075.4(CDK4):c.523-20A>G

Gene: CDK4 (cyclin dependent kinase 4; minus strand). Cytogenetic location: 12q14.1.
Variant type: single nucleotide variant.
Coding change: c.523-20A>G on transcript NM_000075.4 (MANE Select); 20 bases into the intron before coding-DNA position 523, A replaced by G.
Molecular consequence: intron variant.
Genome position (GRCh38, 1-based): chr12:57,750,785, T>C on the plus strand (A>G on the coding strand, the complement: CDK4 is on the minus strand). VCF-style: chr12-57750785-T-C. GRCh37 (hg19) VCF-style: chr12-58144568-T-C.
Identifiers: ClinVar variation 2861254 (VCV002861254.4), dbSNP rs1595110299, ClinGen allele CA2619494784.
Genomic context (GRCh38, chr12:57,750,785, plus strand): 5'-TGCAGAAGAACTTCGGGAGCTCGGTACCAGAGTGTAACAACCTAAAGGGAATAGGAAGAA[T>C]GGATGGGGACCCCATGGGTTACCATGAAACACAACTTGCTTGACTGAACACATGAAGCAC-3'

ClinVar aggregate classification (germline): Likely benign. Review status: criteria provided, multiple submitters, no conflicts (2 of 4 stars). 2 submissions from 2 submitters: Likely benign (2). Last evaluated 2024-09-25.

Conditions:
Melanoma, cutaneous malignant, susceptibility to, 3. Also called: Cutaneous malignant melanoma 3. Identifiers: Orphanet 618, MedGen C1836892, MONDO:0012183, OMIM 609048.
Familial melanoma. Also called: Hereditary melanoma; Hereditary cutaneous melanoma. Identifiers: Orphanet 618, MedGen C1512419, MONDO:0018961.

Submissions (2):

Myriad Genetics, Inc.
Classification: Likely benign for Melanoma, cutaneous malignant, susceptibility to, 3. Last evaluated: 2024-09-25. Review status: criteria provided, single submitter. Criteria: Myriad Autosomal Dominant, Autosomal Recessive and X-Linked Classification Criteria (2023). Collection method: clinical testing. Allele origin: unknown.
Comment: This variant is considered likely benign. This variant is intronic and is not expected to impact mRNA splicing.

Labcorp Genetics (formerly Invitae), Labcorp
Classification: Likely benign for Familial melanoma. Last evaluated: 2024-06-30. Review status: criteria provided, single submitter. Criteria: Invitae Variant Classification Sherloc (09022015). Collection method: clinical testing. Allele origin: germline.